The following is an entry in ClinVar:

NM_000135.4(FANCA):c.123G>T (p.Gln41His)

Gene: FANCA (FA complementation group A; minus strand). Cytogenetic location: 16q24.3.
Variant type: single nucleotide variant.
Coding change: c.123G>T on transcript NM_000135.4 (MANE Select); coding-DNA position 123, G replaced by T.
Protein change: p.Gln41His; replaces glutamine 41 with histidine.
Molecular consequence: missense variant.
Genome position (GRCh38, 1-based): chr16:89,815,943, C>A on the plus strand (G>T on the coding strand, the complement: FANCA is on the minus strand). VCF-style: chr16-89815943-C-A. GRCh37 (hg19) VCF-style: chr16-89882351-C-A.
Other names: c.123G>T, p.Gln41His (NM_001286167.3, NM_001351830.2, NM_001018112.3); short protein forms Q41H.
Identifiers: ClinVar variation 3848230 (VCV003848230.3).
Genomic context (GRCh38, chr16:89,815,943, plus strand): 5'-CAAAAGGGCATTCAGGTCCTGATGGCTTCGCAGGAGGCGCACAGCTGATTCCTTTAATTT[C>A]TGTGCCCTTTCAGGATTATATTTTTCCCTCTTGACCCTTCCCGCTACGGAGAGAAGTCGG-3'
Protein context (NP_000126.2, residues 31-51): KREKYNPERA[Gln41His]KLKESAVRLL

ClinVar aggregate classification (germline): Uncertain significance. Review status: criteria provided, multiple submitters, no conflicts (2 of 4 stars). 2 submissions from 2 submitters: Uncertain significance (2). Last evaluated 2025-02-14.

Conditions:
Inborn genetic diseases. Identifiers: MedGen C0950123, MeSH D030342.

Submissions (2):

Ambry Genetics
Classification: Uncertain significance for Inborn genetic diseases. Last evaluated: 2025-02-14. Review status: criteria provided, single submitter. Criteria: Ambry Variant Classification Scheme 2023. Collection method: clinical testing. Allele origin: germline.
Comment: The p.Q41H variant (also known as c.123G>T), located in coding exon 2 of the FANCA gene, results from a G to T substitution at nucleotide position 123. The glutamine at codon 41 is replaced by histidine, an amino acid with highly similar properties. This amino acid position is conserved. In addition, this alteration is predicted to be tolerated by in silico analysis. Based on the available evidence, the clinical significance of this variant remains unclear.

Dasa
Classification: Uncertain significance. Last evaluated: 2025-01-24. Review status: criteria provided, single submitter. Criteria: DASA Assertion Criteria. Collection method: clinical testing. Allele origin: germline.
Comment: NM_000135.4(FANCA):c.123G>T (p.Gln41His) is a missense variant that results in the substitution of glutamine with histidine. This variant is absent from population databases. Computational prediction algorithms are consistent with a benign effect. The currently available literature and clinical evidence are not sufficient to establish a definitive association between this variant and the reported condition. Therefore, this variant is classified as a variant of uncertain significance.